The following is an entry in ClinVar:

NM_001458.5(FLNC):c.3823G>T (p.Val1275Leu)

Gene: FLNC (filamin C; plus strand). Cytogenetic location: 7q32.1.
Variant type: single nucleotide variant.
Coding change: c.3823G>T on transcript NM_001458.5 (MANE Select); coding-DNA position 3823, G replaced by T.
Protein change: p.Val1275Leu; replaces valine 1275 with leucine.
Molecular consequence: missense variant.
Genome position (GRCh38, 1-based): chr7:128,846,022, G>T. VCF-style: chr7-128846022-G-T. GRCh37 (hg19) VCF-style: chr7-128486076-G-T.
Other names: c.3823G>T, p.Val1275Leu (NM_001127487.2); short protein forms V1275L.
Identifiers: ClinVar variation 5021945 (VCV005021945.1).
Genomic context (GRCh38, chr7:128,846,022, plus strand): 5'-TGCTGAACACGCCACCCCTGGGCTCCAGGTGTCCTGCGGGAGGTGACCACTGAGTTCACT[G>T]TGGATGCAAGATCCCTAACAGCCACAGGCGGCAACCACGTGACGGCTCGTGTGCTCAACC-3'
Protein context (NP_001449.3, residues 1265-1285): VLREVTTEFT[Val1275Leu]DARSLTATGG

ClinVar aggregate classification (germline): Uncertain significance (1 of 4 stars; one submission).

Conditions:
Cardiovascular phenotype. Identifiers: MedGen CN230736.

Submission:

Ambry Genetics
Classification: Uncertain significance for Cardiovascular phenotype. Last evaluated: 2026-07-07. Review status: criteria provided, single submitter. Criteria: Ambry Variant Classification Scheme 2023. Collection method: clinical testing. Allele origin: germline.
Comment: The p.V1275L variant (also known as c.3823G>T), located in coding exon 22 of the FLNC gene, results from a G to T substitution at nucleotide position 3823. The valine at codon 1275 is replaced by leucine, an amino acid with highly similar properties. This amino acid position is conserved. In addition, this alteration is predicted to be deleterious by in silico analysis. Based on the available evidence, the clinical significance of this variant remains unclear.